The following is an entry in ClinVar:

ClinVar aggregate classification (germline): Pathogenic/Likely pathogenic. Review status: criteria provided, multiple submitters, no conflicts (2 of 4 stars). 4 submissions from 4 submitters: Pathogenic (1); Likely pathogenic (3). Last evaluated 2024-10-18.

Conditions:
Dilated cardiomyopathy 1G (CMD1G). Identifiers: Orphanet 154, MedGen C1858763, MONDO:0011400, OMIM 604145.
Autosomal recessive limb-girdle muscular dystrophy type 2J (LGMDR10). Also called: Limb-girdle muscular dystrophy, type 2J; MUSCULAR DYSTROPHY, LIMB-GIRDLE, AUTOSOMAL RECESSIVE 10. Identifiers: Orphanet 140922, MedGen C1837342, MONDO:0012127, OMIM 608807.
TTN-related disorder. Also called: TTN-related condition; TTN-related disease; TTN-related disorders.

Submissions (4):

Labcorp Genetics (formerly Invitae), Labcorp
Classification: Likely pathogenic for Dilated cardiomyopathy 1G; Autosomal recessive limb-girdle muscular dystrophy type 2J. Last evaluated: 2024-10-18. Review status: criteria provided, single submitter. Criteria: Invitae Variant Classification Sherloc (09022015). Collection method: clinical testing. Allele origin: germline.
Comment: This sequence change creates a premature translational stop signal (p.Asn14750Metfs*14) in the TTN gene. While this is not anticipated to result in nonsense mediated decay, it is expected to create a truncated TTN protein. This variant is not present in population databases (gnomAD no frequency). This variant has not been reported in the literature in individuals affected with TTN-related conditions. ClinVar contains an entry for this variant (Variation ID: 1694989). This variant is located in the I band of TTN (PMID: 25589632). Truncating variants in this region have been reported in individuals affected with autosomal recessive centronuclear myopathy (PMID: 23975875, internal data). Truncating variants in this region have also been identified in individuals affected with autosomal dominant dilated cardiomyopathy and/or cardio-related conditions (PMID: 27869827, 32964742, internal data). In summary, the currently available evidence indicates that the variant is pathogenic, but additional data are needed to prove that conclusively. Therefore, this variant has been classified as Likely Pathogenic.

3billion
Classification: Pathogenic for Dilated cardiomyopathy 1G. Last evaluated: 2023-08-25. Review status: criteria provided, single submitter. Criteria: ACMG Guidelines, 2015. Collection method: clinical testing. Allele origin: germline. Affected: yes.
Comment: The variant is not observed in the gnomAD v2.1.1 dataset. Predicted Consequence/Location: Frameshift: predicted to result in a loss or disruption of normal protein function through nonsense-mediated decay (NMD) or protein truncation. Multiple pathogenic variants are reported downstream of the variant. The variant has been reported to be associated with TTN related disorder (ClinVar ID: VCV001694989). Therefore, this variant is classified as Likely pathogenic according to the recommendation of ACMG/AMP guideline.

Blueprint Genetics
Classification: Likely pathogenic for TTN-related disorders. Last evaluated: 2023-07-28. Review status: criteria provided, single submitter. Criteria: ACMG Guidelines, 2015. Collection method: clinical testing. Allele origin: germline. Affected: yes. Observed: 1 variant allele.

CeGaT Center for Human Genetics Tuebingen
Classification: Likely pathogenic. Last evaluated: 2022-06-01. Review status: criteria provided, single submitter. Criteria: CeGaT Center For Human Genetics Tuebingen Variant Classification Criteria Version 2. Collection method: clinical testing. Allele origin: germline. Affected: yes. Observed: 1 variant allele.
Comment: TTN: PVS1:Strong, PM2

Literature cited by the submitters: PubMed 25589632 (cited by Labcorp Genetics (formerly Invitae), Labcorp); PubMed 23975875 (cited by Labcorp Genetics (formerly Invitae), Labcorp); PubMed 27869827 (cited by Labcorp Genetics (formerly Invitae), Labcorp); PubMed 32964742 (cited by Labcorp Genetics (formerly Invitae), Labcorp).

NM_001267550.2(TTN):c.44249del (p.Asn14750fs)

Gene: TTN (titin; minus strand). Cytogenetic location: 2q31.2.
Variant type: Deletion.
Coding change: c.44249del on transcript NM_001267550.2 (MANE Select); coding-DNA position 44249, one base deleted (A; older notation c.44249delA).
Protein change: p.Asn14750fs; shifts the reading frame from asparagine 14750.
Molecular consequence: frameshift variant.
Genome position (GRCh38, 1-based): chr2:178,630,273, T deleted on the plus strand (A on the coding strand, the reverse complement: TTN is on the minus strand); the first of 2 consecutive T bases (chr2:178,630,273-178,630,274); deleting either gives the same sequence. VCF-style (leftmost placement, unchanged base first): chr2-178630272-AT-A. GRCh37 (hg19) VCF-style: chr2-179494999-AT-A.
Other names: c.39326del, p.Asn13109fs (NM_001256850.1); c.17054del, p.Asn5685fs (NM_003319.4); c.36545del, p.Asn12182fs (NM_133378.4); c.17429del, p.Asn5810fs (NM_133432.3); c.17630del, p.Asn5877fs (NM_133437.4); short protein forms N12182fs, N13109fs, N14750fs, N5685fs, N5810fs, N5877fs.
Identifiers: ClinVar variation 1694989 (VCV001694989.36), dbSNP rs2154219900, ClinGen allele CA2580065088.
Genomic context (GRCh38, chr2:178,630,272, plus strand): 5'-AATTTCCCTGAAAAATATACAATACTTACGCTTAACTCGGAGGTGGGCACTAGATTTAAC[AT>A]TGGCAGCTTGGAAATCCACCCCACCCGTCTGGTCCAGGCGACAGTTGTGCAAAACAAGGG-3'